The following is an entry in ClinVar:

ClinVar aggregate classification (germline): Uncertain significance (1 of 4 stars; one submission).

Allele frequency attached by ClinVar (database versions not stated): gnomAD 0.00001; ExAC 0.00002; TOPMed 0.00002; gnomAD exomes 0.00004.
gnomAD v4.1: 56 of 1,613,982 alleles (0.0035%); highest among the groups gnomAD compares: Non-Finnish European, 0.0044%; no homozygotes.

Submission:

Labcorp Genetics (formerly Invitae), Labcorp
Classification: Uncertain significance. Last evaluated: 2022-02-06. Review status: criteria provided, single submitter. Criteria: Invitae Variant Classification Sherloc (09022015). Collection method: clinical testing. Allele origin: germline.
Comment: This variant is present in population databases (rs763111684, gnomAD 0.004%). In summary, the available evidence is currently insufficient to determine the role of this variant in disease. Therefore, it has been classified as a Variant of Uncertain Significance. Algorithms developed to predict the effect of missense changes on protein structure and function are either unavailable or do not agree on the potential impact of this missense change (SIFT: "Deleterious"; PolyPhen-2: "Benign"; Align-GVGD: "Class C0"). This variant has not been reported in the literature in individuals affected with DHX38-related conditions. This sequence change replaces arginine, which is basic and polar, with glutamine, which is neutral and polar, at codon 253 of the DHX38 protein (p.Arg253Gln).

NM_014003.4(DHX38):c.758G>A (p.Arg253Gln)

Gene: DHX38 (DEAH-box helicase 38; plus strand). Cytogenetic location: 16q22.2.
Variant type: single nucleotide variant.
Coding change: c.758G>A on transcript NM_014003.4 (MANE Select); coding-DNA position 758, G replaced by A.
Protein change: p.Arg253Gln; replaces arginine 253 with glutamine.
Molecular consequence: missense variant.
Genome position (GRCh38, 1-based): chr16:72,098,786, G>A. VCF-style: chr16-72098786-G-A. GRCh37 (hg19) VCF-style: chr16-72132685-G-A.
Other names: short protein forms R253Q.
Identifiers: ClinVar variation 1909718 (VCV001909718.3), dbSNP rs763111684, ClinGen allele CA8160060.
Genomic context (GRCh38, chr16:72,098,786, plus strand): 5'-CCTCCCCGACGCCTTCCTATCGGGATTCTGAGCGGAGCCATCGGCTGTCCACTCGAGATC[G>A]AGACAGGTGATGTTCTGGGCAGAGCAGCCCAGTTTCGCTGGGTGGGCGGTAAGGAGCCTC-3'
Protein context (NP_054722.2, residues 243-263): ERSHRLSTRD[Arg253Gln]DRSVRGKYSD